The following is an entry in ClinVar:

NM_014727.3(KMT2B):c.4334G>A (p.Gly1445Glu)

Gene: KMT2B (lysine methyltransferase 2B; plus strand). Cytogenetic location: 19q13.12.
Variant type: single nucleotide variant.
Coding change: c.4334G>A on transcript NM_014727.3 (MANE Select); coding-DNA position 4334, G replaced by A.
Protein change: p.Gly1445Glu; replaces glycine 1445 with glutamic acid.
Molecular consequence: missense variant.
Genome position (GRCh38, 1-based): chr19:35,727,729, G>A. VCF-style: chr19-35727729-G-A. GRCh37 (hg19) VCF-style: chr19-36218630-G-A.
Other names: short protein forms G1445E.
Identifiers: ClinVar variation 4689991 (VCV004689991.1).

ClinVar aggregate classification (germline): Uncertain significance (1 of 4 stars; one submission).

Submission:

GeneDx
Classification: Uncertain significance. Last evaluated: 2025-07-28. Review status: criteria provided, single submitter. Criteria: GeneDx Variant Classification Process June 2021. Collection method: clinical testing. Allele origin: germline. Affected: yes.
Comment: Not observed at significant frequency in large population cohorts (gnomAD); In silico analysis suggests that this missense variant does not alter protein structure/function; Has not been previously published as pathogenic or benign to our knowledge